The following is an entry in ClinVar:

NM_052897.4(MBD6):c.1513C>A (p.Pro505Thr)

Gene: MBD6 (methyl-CpG binding domain protein 6; plus strand). Cytogenetic location: 12q13.3.
Variant type: single nucleotide variant.
Coding change: c.1513C>A on transcript NM_052897.4 (MANE Select); coding-DNA position 1513, C replaced by A.
Protein change: p.Pro505Thr; replaces proline 505 with threonine.
Molecular consequence: missense variant.
Genome position (GRCh38, 1-based): chr12:57,526,658, C>A. VCF-style: chr12-57526658-C-A. GRCh37 (hg19) VCF-style: chr12-57920441-C-A.
Other names: short protein forms P505T.
Identifiers: ClinVar variation 2629438 (VCV002629438.1), dbSNP rs769742075, ClinGen allele CA385480932.

ClinVar aggregate classification (germline): Uncertain significance (1 of 4 stars; one submission).

Conditions:
MBD6-related disorder. Also called: MBD6-related condition.

Submission:

PreventionGenetics, part of Exact Sciences
Classification: Uncertain significance for MBD6-related condition. Last evaluated: 2023-09-11. Review status: criteria provided, single submitter. Criteria: ACMG Guidelines, 2015. Collection method: clinical testing. Allele origin: germline.
Comment: The MBD6 c.1513C>A variant is predicted to result in the amino acid substitution p.Pro505Thr. To our knowledge, this variant has not been reported in the literature or in a large population database, indicating this variant is rare. At this time, the clinical significance of this variant is uncertain due to the absence of conclusive functional and genetic evidence.